The following is an entry in ClinVar:

NM_000124.4(ERCC6):c.1397+6T>C

Genes: ERCC6 (ERCC excision repair 6, chromatin remodeling factor; minus strand), PGBD3 (piggyBac transposable element derived 3; minus strand). Cytogenetic location: 10q11.23.
Variant type: single nucleotide variant.
Coding change: c.1397+6T>C on transcript NM_000124.4 (MANE Select); 6 bases into the intron after coding-DNA position 1397, T replaced by C.
Molecular consequence: intron variant.
Genome position (GRCh38, 1-based): chr10:49,524,027, A>G on the plus strand (T>C on the coding strand, the complement: ERCC6 is on the minus strand). VCF-style: chr10-49524027-A-G. GRCh37 (hg19) VCF-style: chr10-50732073-A-G.
Other names: c.1397+6T>C (NM_001346440.2, NM_001277059.2, NM_001277058.2); c.-8+6T>C (NM_170753.3).
Identifiers: ClinVar variation 2165448 (VCV002165448.2), dbSNP rs755144269, ClinGen allele CA5496331.

ClinVar aggregate classification (germline): Uncertain significance (1 of 4 stars; one submission).

Allele frequency attached by ClinVar (database versions not stated): gnomAD exomes below 0.00001; ExAC 0.00001; gnomAD 0.00001; TOPMed 0.00001.
gnomAD v4.1: 3 of 1,612,824 alleles (0.00019%); highest among the groups gnomAD compares: African/African-American, 0.004%; no homozygotes.

Submission:

Labcorp Genetics (formerly Invitae), Labcorp
Classification: Uncertain significance. Last evaluated: 2024-11-18. Review status: criteria provided, single submitter. Criteria: Invitae Variant Classification Sherloc (09022015). Collection method: clinical testing. Allele origin: germline.
Comment: This sequence change falls in intron 5 of the ERCC6 gene. It does not directly change the encoded amino acid sequence of the ERCC6 protein. It affects a nucleotide within the consensus splice site. This variant is not present in population databases (gnomAD no frequency). This variant has not been reported in the literature in individuals affected with ERCC6-related conditions. ClinVar contains an entry for this variant (Variation ID: 2165448). Variants that disrupt the consensus splice site are a relatively common cause of aberrant splicing (PMID: 17576681, 9536098). Algorithms developed to predict the effect of sequence changes on RNA splicing suggest that this variant may disrupt the consensus splice site. In summary, the available evidence is currently insufficient to determine the role of this variant in disease. Therefore, it has been classified as a Variant of Uncertain Significance.

Literature cited by the submitters: PubMed 17576681; PubMed 9536098.